The following is an entry in ClinVar:

NM_006939.4(SOS2):c.1458_1473del (p.Arg487fs)

Gene: SOS2 (SOS Ras/Rho guanine nucleotide exchange factor 2; minus strand). Cytogenetic location: 14q21.3.
Variant type: Deletion.
Coding change: c.1458_1473del on transcript NM_006939.4 (MANE Select); coding-DNA positions 1458 to 1473, 16 bases deleted (CAGGTTAAAAGAAAAA).
Protein change: p.Arg487fs; shifts the reading frame from arginine 487.
Molecular consequence: frameshift variant.
Genome position (GRCh38, 1-based): chr14:50,159,810-50,159,825, TTTTTCTTTTAACCTG deleted on the plus strand (CAGGTTAAAAGAAAAA on the coding strand, the reverse complement: SOS2 is on the minus strand); deleting any 16 consecutive bases within chr14:50,159,810-50,159,826 gives the same sequence; the c. name uses the placement nearest the transcript's 3' end. VCF-style (leftmost placement, unchanged base first): chr14-50159809-ATTTTTCTTTTAACCTG-A. GRCh37 (hg19) VCF-style: chr14-50626527-ATTTTTCTTTTAACCTG-A.
Other names: c.1359_1374del, p.Arg454fs (NM_001411020.1); short protein forms R454fs, R487fs.
Identifiers: ClinVar variation 3643550 (VCV003643550.2).

ClinVar aggregate classification (germline): Uncertain significance (1 of 4 stars; one submission).

Conditions:
Noonan syndrome 9 (NS9). Identifiers: Orphanet 648, MedGen C4225282, MONDO:0014691, OMIM 616559.

Submission:

Labcorp Genetics (formerly Invitae), Labcorp
Classification: Uncertain significance for Noonan syndrome 9. Last evaluated: 2024-02-27. Review status: criteria provided, single submitter. Criteria: Invitae Variant Classification Sherloc (09022015). Collection method: clinical testing. Allele origin: germline.
Comment: This sequence change creates a premature translational stop signal (p.Arg487Leufs*3) in the SOS2 gene. It is expected to result in an absent or disrupted protein product. However, the current clinical and genetic evidence is not sufficient to establish whether loss-of-function variants in SOS2 cause disease. This variant is not present in population databases (gnomAD no frequency). This variant has not been reported in the literature in individuals affected with SOS2-related conditions. In summary, the available evidence is currently insufficient to determine the role of this variant in disease. Therefore, it has been classified as a Variant of Uncertain Significance.